The following is an entry in ClinVar:

NM_144997.7(FLCN):c.1174C>G (p.Arg392Gly)

Gene: FLCN (folliculin; minus strand). Cytogenetic location: 17p11.2.
Variant type: single nucleotide variant.
Coding change: c.1174C>G on transcript NM_144997.7 (MANE Select); coding-DNA position 1174, C replaced by G.
Protein change: p.Arg392Gly; replaces arginine 392 with glycine.
Molecular consequence: missense variant.
Genome position (GRCh38, 1-based): chr17:17,217,071, G>C on the plus strand (C>G on the coding strand, the complement: FLCN is on the minus strand). VCF-style: chr17-17217071-G-C. GRCh37 (hg19) VCF-style: chr17-17120385-G-C.
Other names: c.1228C>G, p.Arg410Gly (NM_001353229.2); c.1174C>G, p.Arg392Gly (NM_001353230.2, NM_001353231.2); short protein forms R392G, R410G.
Identifiers: ClinVar variation 3638047 (VCV003638047.2).

ClinVar aggregate classification (germline): Uncertain significance (1 of 4 stars; one submission).

Conditions:
Birt-Hogg-Dube syndrome. Also called: Birt Hogg Dubé syndrome. Identifiers: Orphanet 122, MedGen C0346010, MONDO:0800444.

Submission:

Labcorp Genetics (formerly Invitae), Labcorp
Classification: Uncertain significance for Birt-Hogg-Dube syndrome. Last evaluated: 2024-02-01. Review status: criteria provided, single submitter. Criteria: Invitae Variant Classification Sherloc (09022015). Collection method: clinical testing. Allele origin: germline.
Comment: This sequence change replaces arginine, which is basic and polar, with glycine, which is neutral and non-polar, at codon 392 of the FLCN protein (p.Arg392Gly). This variant is present in population databases (no rsID available, gnomAD 0.006%). This variant has not been reported in the literature in individuals affected with FLCN-related conditions. An algorithm developed to predict the effect of missense changes on protein structure and function (PolyPhen-2) suggests that this variant is likely to be tolerated. In summary, the available evidence is currently insufficient to determine the role of this variant in disease. Therefore, it has been classified as a Variant of Uncertain Significance.